The following is an entry in ClinVar:

NM_004667.6(HERC2):c.1467C>A (p.Gly489=)

Gene: HERC2 (HECT and RLD domain containing E3 ubiquitin protein ligase 2; minus strand). Cytogenetic location: 15q13.1.
Variant type: single nucleotide variant.
Coding change: c.1467C>A on transcript NM_004667.6 (MANE Select); coding-DNA position 1467, C replaced by A.
Protein change: p.Gly489=; no amino-acid change (glycine 489 retained).
Molecular consequence: synonymous variant.
Genome position (GRCh38, 1-based): chr15:28,268,596, G>T on the plus strand (C>A on the coding strand, the complement: HERC2 is on the minus strand). VCF-style: chr15-28268596-G-T. GRCh37 (hg19) VCF-style: chr15-28513742-G-T.
Identifiers: ClinVar variation 3051319 (VCV003051319.12), dbSNP rs139078765, ClinGen allele CA7443435.

ClinVar aggregate classification (germline): Likely benign. Review status: criteria provided, single submitter (1 of 4 stars). 2 submissions from 2 submitters: Likely benign (1). 1 of the submissions does not count toward it. Last evaluated 2026-08-01.

Conditions:
HERC2-related disorder. Also called: HERC2-related condition.

Allele frequency attached by ClinVar (database versions not stated): ESP Exome Variant Server 0.00008; gnomAD exomes 0.00015.
gnomAD v4.1: 104 of 1,614,142 alleles (0.0064%); highest among the groups gnomAD compares: Admixed American, 0.17%; 1 homozygote.

Submissions (2):

CeGaT Center for Human Genetics Tuebingen
Classification: Likely benign. Last evaluated: 2026-08-01. Review status: criteria provided, single submitter. Criteria: CeGaT Center For Human Genetics Tuebingen Variant Classification Criteria Version 2. Collection method: clinical testing. Allele origin: germline. Affected: yes. Observed: 2 variant alleles.
Comment: HERC2: BP4, BP7

PreventionGenetics, part of Exact Sciences
Classification: Likely benign for HERC2-related condition. Last evaluated: 2019-04-23. Review status: no assertion criteria provided. Collection method: clinical testing. Allele origin: germline. Not counted in ClinVar's aggregate classification.
Comment: This variant is classified as likely benign based on ACMG/AMP sequence variant interpretation guidelines (Richards et al. 2015 PMID: 25741868, with internal and published modifications).